The following is an entry in ClinVar:

ClinVar aggregate classification (germline): Uncertain significance (1 of 4 stars; one submission).

Submission:

Dasa
Classification: Uncertain significance. Last evaluated: 2025-08-04. Review status: criteria provided, single submitter. Criteria: DASA Assertion Criteria. Collection method: clinical testing. Allele origin: germline.
Comment: NM_014874.4(MFN2):c.535G>T (p.Val179Leu) is a missense variant that results in the substitution of valine with leucine. This variant is absent from population databases. Computational prediction algorithms are consistent with a deleterious effect. The currently available literature and clinical evidence are not sufficient to establish a definitive association between this variant and the reported condition. Therefore, this variant is classified as a variant of uncertain significance.

NM_014874.4(MFN2):c.535G>T (p.Val179Leu)

Gene: MFN2 (mitofusin 2; plus strand). Cytogenetic location: 1p36.22.
Variant type: single nucleotide variant.
Coding change: c.535G>T on transcript NM_014874.4 (MANE Select); coding-DNA position 535, G replaced by T.
Protein change: p.Val179Leu; replaces valine 179 with leucine.
Molecular consequence: missense variant.
Genome position (GRCh38, 1-based): chr1:11,997,357, G>T. VCF-style: chr1-11997357-G-T. GRCh37 (hg19) VCF-style: chr1-12057414-G-T.
Other names: c.535G>T, p.Val179Leu (NM_001127660.2); short protein forms V179L.
Identifiers: ClinVar variation 4881652 (VCV004881652.2).